The following is an entry in ClinVar:

ClinVar aggregate classification (germline): Uncertain significance. Review status: criteria provided, multiple submitters, no conflicts (2 of 4 stars). 3 submissions from 3 submitters: Uncertain significance (3). Last evaluated 2024-01-22.

Conditions:
Developmental and epileptic encephalopathy, 18 (DEE18). Also called: Early infantile epileptic encephalopathy 18. Identifiers: Orphanet 369894, MedGen C3809624, MONDO:0014201, OMIM 615476.
Inborn genetic diseases. Identifiers: MedGen C0950123, MeSH D030342.

Allele frequency attached by ClinVar (database versions not stated): gnomAD exomes below 0.00001; ExAC 0.00002; gnomAD 0.00007 and 0.00009; ESP Exome Variant Server 0.00008; TOPMed 0.00009.
gnomAD v4.1: 19 of 1,603,324 alleles (0.0012%); highest among the groups gnomAD compares: African/African-American, 0.021%; no homozygotes.

Submissions (3):

Labcorp Genetics (formerly Invitae), Labcorp
Classification: Uncertain significance. Last evaluated: 2024-01-22. Review status: criteria provided, single submitter. Criteria: Invitae Variant Classification Sherloc (09022015). Collection method: clinical testing. Allele origin: germline.
Comment: This sequence change replaces proline, which is neutral and non-polar, with serine, which is neutral and polar, at codon 1737 of the SZT2 protein (p.Pro1737Ser). This variant is present in population databases (rs375216274, gnomAD 0.008%). This variant has not been reported in the literature in individuals affected with SZT2-related conditions. ClinVar contains an entry for this variant (Variation ID: 1051357). Advanced modeling of protein sequence and biophysical properties (such as structural, functional, and spatial information, amino acid conservation, physicochemical variation, residue mobility, and thermodynamic stability) performed at Invitae indicates that this missense variant is not expected to disrupt SZT2 protein function with a negative predictive value of 80%. In summary, the available evidence is currently insufficient to determine the role of this variant in disease. Therefore, it has been classified as a Variant of Uncertain Significance.

Genome-Nilou Lab
Classification: Uncertain significance for Developmental and epileptic encephalopathy, 18. Last evaluated: 2023-04-11. Review status: criteria provided, single submitter. Criteria: ACMG Guidelines, 2015. Collection method: clinical testing. Allele origin: germline. Affected: no.

Ambry Genetics
Classification: Uncertain significance for Inborn genetic diseases. Last evaluated: 2019-03-02. Review status: criteria provided, single submitter. Criteria: Ambry Variant Classification Scheme 2023. Collection method: clinical testing. Allele origin: germline.
Comment: The p.P1737S variant (also known as c.5209C>T), located in coding exon 36 of the SZT2 gene, results from a C to T substitution at nucleotide position 5209. The proline at codon 1737 is replaced by serine, an amino acid with similar properties. This amino acid position is poorly conserved in available vertebrate species, and serine is the reference amino acid in other vertebrate species. In addition, this alteration is predicted to be tolerated by in silico analysis. Since supporting evidence is limited at this time, the clinical significance of this alteration remains unclear.

NM_001365999.1(SZT2):c.5380C>T (p.Pro1794Ser)

Gene: SZT2 (SZT2 subunit of KICSTOR complex; plus strand). Cytogenetic location: 1p34.2.
Variant type: single nucleotide variant.
Coding change: c.5380C>T on transcript NM_001365999.1 (MANE Select); coding-DNA position 5380, C replaced by T.
Protein change: p.Pro1794Ser; replaces proline 1794 with serine.
Molecular consequence: missense variant.
Genome position (GRCh38, 1-based): chr1:43,432,377, C>T. VCF-style: chr1-43432377-C-T. GRCh37 (hg19) VCF-style: chr1-43898048-C-T.
Other names: c.5209C>T, p.Pro1737Ser (NM_015284.4); short protein forms P1737S, P1794S.
Identifiers: ClinVar variation 1051357 (VCV001051357.7), dbSNP rs375216274, ClinGen allele CA809556.
Genomic context (GRCh38, chr1:43,432,377, plus strand): 5'-CCTGACAGTGGCTTCTTCTTTGTGGCAGCTGGCCAACAGCCAGGTGGGTCCCATGGGGAG[C>T]CTTCTTCAGCGGCCTGGGCTTGGCACAGTCATGAGGACAGGGCTGAAGGCATCGAAGGGG-3'
Protein context (NP_001352928.1, residues 1784-1804): GQQPGGSHGE[Pro1794Ser]SSAAWAWHSH